The following is an entry in ClinVar:

ClinVar aggregate classification (germline): Uncertain significance (1 of 4 stars; one submission).

gnomAD v4.1: 27 of 1,613,202 alleles (0.0017%); highest among the groups gnomAD compares: East Asian, 0.0022%; no homozygotes.

Submission:

Labcorp Genetics (formerly Invitae), Labcorp
Classification: Uncertain significance. Last evaluated: 2022-10-19. Review status: criteria provided, single submitter. Criteria: Invitae Variant Classification Sherloc (09022015). Collection method: clinical testing. Allele origin: germline.
Comment: This sequence change replaces valine, which is neutral and non-polar, with leucine, which is neutral and non-polar, at codon 712 of the ABCC8 protein (p.Val712Leu). This variant is present in population databases (rs754340214, gnomAD 0.0009%). This variant has not been reported in the literature in individuals affected with ABCC8-related conditions. Algorithms developed to predict the effect of missense changes on protein structure and function (SIFT, PolyPhen-2, Align-GVGD) all suggest that this variant is likely to be disruptive. In summary, the available evidence is currently insufficient to determine the role of this variant in disease. Therefore, it has been classified as a Variant of Uncertain Significance.

NM_000352.6(ABCC8):c.2134G>T (p.Val712Leu)

Gene: ABCC8 (ATP binding cassette subfamily C member 8; minus strand). Cytogenetic location: 11p15.1.
Variant type: single nucleotide variant.
Coding change: c.2134G>T on transcript NM_000352.6 (MANE Select); coding-DNA position 2134, G replaced by T.
Protein change: p.Val712Leu; replaces valine 712 with leucine.
Molecular consequence: missense variant. On other transcripts: non-coding transcript variant (1).
Genome position (GRCh38, 1-based): chr11:17,427,137, C>A on the plus strand (G>T on the coding strand, the complement: ABCC8 is on the minus strand). VCF-style: chr11-17427137-C-A. GRCh37 (hg19) VCF-style: chr11-17448684-C-A.
Other names: c.2134G>T, p.Val712Leu (NM_001287174.3); c.2200G>T, p.Val734Leu (NM_001351295.2); c.2131G>T, p.Val711Leu (NM_001351296.2, NM_001351297.2); short protein forms V711L, V712L, V734L.
Identifiers: ClinVar variation 1901777 (VCV001901777.5), dbSNP rs754340214, ClinGen allele CA5903292.
Genomic context (GRCh38, chr11:17,427,137, plus strand): 5'-TCTGCATCTCCCCCAGTGCGGCTAGAAGGAGCGAGGACTTGCCGCAGCCCACCTGCCCCA[C>A]GATCATAGTCAGCTGGCCTGCAGGGAGGGAGGGTGGCAGATGTGAGTGGGGCCGGGGGAG-3'
Protein context (NP_000343.2, residues 702-722): RIPRGQLTMI[Val712Leu]GQVGCGKSSL